The following is an entry in ClinVar:

ClinVar aggregate classification (germline): Uncertain significance (1 of 4 stars; one submission).

Submission:

Labcorp Genetics (formerly Invitae), Labcorp
Classification: Uncertain significance. Last evaluated: 2023-10-17. Review status: criteria provided, single submitter. Criteria: Invitae Variant Classification Sherloc (09022015). Collection method: clinical testing. Allele origin: germline.
Comment: This sequence change replaces alanine, which is neutral and non-polar, with arginine, which is basic and polar, at codon 1555 of the MAST1 protein (p.Ala1555Arg). This variant is present in population databases (no rsID available, gnomAD 0.0009%). This variant has not been reported in the literature in individuals affected with MAST1-related conditions. ClinVar contains an entry for this variant (Variation ID: 2082435). An algorithm developed to predict the effect of missense changes on protein structure and function (PolyPhen-2) suggests that this variant is likely to be tolerated. In summary, the available evidence is currently insufficient to determine the role of this variant in disease. Therefore, it has been classified as a Variant of Uncertain Significance.

NM_014975.3(MAST1):c.4663_4664delinsAG (p.Ala1555Arg)

Gene: MAST1 (microtubule associated serine/threonine kinase 1; plus strand). Cytogenetic location: 19p13.13.
Variant type: Indel.
Coding change: c.4663_4664delinsAG on transcript NM_014975.3 (MANE Select); coding-DNA positions 4663 to 4664, GC replaced by AG.
Protein change: p.Ala1555Arg; replaces alanine 1555 with arginine.
Molecular consequence: missense variant.
Genome position (GRCh38, 1-based): chr19:12,874,820-12,874,821, GC replaced by AG. VCF-style: chr19-12874820-GC-AG. GRCh37 (hg19) VCF-style: chr19-12985634-GC-AG.
Other names: short protein forms A1555R.
Identifiers: ClinVar variation 2082435 (VCV002082435.4), dbSNP rs2512546309, ClinGen allele CA2580096496.